The following is an entry in ClinVar:

ClinVar aggregate classification (germline): Benign/Likely benign. Review status: criteria provided, multiple submitters, no conflicts (2 of 4 stars). 2 submissions from 2 submitters: Benign (1); Likely benign (1). Last evaluated 2025-05-01.

Allele frequency attached by ClinVar (database versions not stated): gnomAD exomes 0.00017 and 0.00049; ExAC 0.00067; gnomAD 0.00219 and 0.00229; TOPMed 0.00247; ESP Exome Variant Server 0.00254; 1000 Genomes Project 30x 0.00344; 1000 Genomes Project 0.00359.
gnomAD v4.1: 613 of 1,609,270 alleles (0.038%); highest among the groups gnomAD compares: African/African-American, 0.69%; 2 homozygotes.

Submissions (2):

CeGaT Center for Human Genetics Tuebingen
Classification: Likely benign. Last evaluated: 2025-05-01. Review status: criteria provided, single submitter. Criteria: CeGaT Center For Human Genetics Tuebingen Variant Classification Criteria Version 2. Collection method: clinical testing. Allele origin: germline. Affected: yes. Observed: 1 variant allele.
Comment: GABRG1: BP4, BP7

Labcorp Genetics (formerly Invitae), Labcorp
Classification: Benign. Last evaluated: 2018-01-25. Review status: criteria provided, single submitter. Criteria: Invitae Variant Classification Sherloc (09022015). Collection method: clinical testing. Allele origin: germline.

NM_173536.4(GABRG1):c.387C>T (p.Thr129=)

Gene: GABRG1 (gamma-aminobutyric acid type A receptor subunit gamma1; minus strand). Cytogenetic location: 4p12.
Variant type: single nucleotide variant.
Coding change: c.387C>T on transcript NM_173536.4 (MANE Select); coding-DNA position 387, C replaced by T.
Protein change: p.Thr129=; no amino-acid change (threonine 129 retained).
Molecular consequence: synonymous variant.
Genome position (GRCh38, 1-based): chr4:46,065,519, G>A on the plus strand (C>T on the coding strand, the complement: GABRG1 is on the minus strand). VCF-style: chr4-46065519-G-A. GRCh37 (hg19) VCF-style: chr4-46067536-G-A.
Identifiers: ClinVar variation 789997 (VCV000789997.13), dbSNP rs146455246, ClinGen allele CA2906375.